The following is an entry in ClinVar:

NM_001366207.1(DLG1):c.1899T>G (p.Asp633Glu)

Gene: DLG1 (discs large MAGUK scaffold protein 1; minus strand). Cytogenetic location: 3q29.
Variant type: single nucleotide variant.
Coding change: c.1899T>G on transcript NM_001366207.1 (MANE Select); coding-DNA position 1899, T replaced by G.
Protein change: p.Asp633Glu; replaces aspartic acid 633 with glutamic acid.
Molecular consequence: missense variant. On other transcripts: non-coding transcript variant (4).
Genome position (GRCh38, 1-based): chr3:197,081,057, A>C on the plus strand (T>G on the coding strand, the complement: DLG1 is on the minus strand). VCF-style: chr3-197081057-A-C. GRCh37 (hg19) VCF-style: chr3-196807928-A-C.
Other names: c.1998T>G, p.Asp666Glu (NM_001098424.1, NM_001366214.1, NM_001366218.1 and 2 more transcripts); c.1899T>G, p.Asp633Glu (NM_001366215.1, NM_001366217.1, NM_001204386.1 and 9 more transcripts); c.1845T>G, p.Asp615Glu (NM_001366216.1, NM_001366219.1, NM_001366220.1 and 2 more transcripts); c.1749T>G, p.Asp583Glu (NM_001366221.1, NM_001366222.1); c.1650T>G, p.Asp550Glu (NM_001204387.2, NM_001204388.2); short protein forms D550E, D615E, D633E, D583E, D666E.
Identifiers: ClinVar variation 790388 (VCV000790388.29), dbSNP rs35430440, ClinGen allele CA2785350.
Genomic context (GRCh38, chr3:197,081,057, plus strand): 5'-TAACAATGTAGCTCAAACAGGAATTACAAAAATGTAGAGATTTCAAATACTCACCCCTTT[A>C]TCTCTCGTTTTAGAATTGAATTTCACTGTTTTTAATCGGGCTCGTTCTTTCTTCTCAACT-3'
Protein context (NP_001353136.1, residues 623-643): KTVKFNSKTR[Asp633Glu]KGQSFNDKRK

ClinVar aggregate classification (germline): Benign. Review status: criteria provided, multiple submitters, no conflicts (2 of 4 stars). 3 submissions from 3 submitters: Benign (3). Last evaluated 2022-12-01.

Allele frequency attached by ClinVar (database versions not stated): 1000 Genomes Project 30x 0.00547; 1000 Genomes Project 0.00559; ExAC 0.00729; gnomAD exomes 0.00734; gnomAD 0.00803 and 0.00817; TOPMed 0.00863; ESP Exome Variant Server 0.01000.
gnomAD v4.1: 17,947 of 1,612,744 alleles (1.1%); highest among the groups gnomAD compares: Non-Finnish European, 1.4%; 138 homozygotes.

Submissions (3):

CeGaT Center for Human Genetics Tuebingen
Classification: Benign. Last evaluated: 2022-12-01. Review status: criteria provided, single submitter. Criteria: CeGaT Center For Human Genetics Tuebingen Variant Classification Criteria Version 2. Collection method: clinical testing. Allele origin: germline. Affected: yes. Observed: 1 variant allele.
Comment: DLG1: BS1, BS2

Labcorp Genetics (formerly Invitae), Labcorp
Classification: Benign. Last evaluated: 2019-12-31. Review status: criteria provided, single submitter. Criteria: Invitae Variant Classification Sherloc (09022015). Collection method: clinical testing. Allele origin: germline.

Breakthrough Genomics
Classification: Benign. Review status: criteria provided, single submitter. Criteria: ACMG Guidelines, 2015. Collection method: not provided. Allele origin: germline. Inheritance: Unknown mechanism. Affected: yes.